The following is an entry in ClinVar:

NM_001252102.2(KIF21B):c.4564C>T (p.Arg1522Ter)

Gene: KIF21B (kinesin family member 21B; minus strand). Cytogenetic location: 1q32.1.
Variant type: single nucleotide variant.
Coding change: c.4564C>T on transcript NM_001252102.2 (MANE Select); coding-DNA position 4564, C replaced by T.
Protein change: p.Arg1522Ter; replaces arginine 1522 with a stop codon.
Molecular consequence: nonsense.
Genome position (GRCh38, 1-based): chr1:200,975,549, G>A on the plus strand (C>T on the coding strand, the complement: KIF21B is on the minus strand). VCF-style: chr1-200975549-G-A. GRCh37 (hg19) VCF-style: chr1-200944677-G-A.
Other names: c.4564C>T, p.Arg1522Ter (NM_001252100.2); c.4525C>T, p.Arg1509Ter (NM_001252103.2, NM_017596.4); short protein forms R1509*, R1522*.
Identifiers: ClinVar variation 2577697 (VCV002577697.2), dbSNP rs769986420, ClinGen allele CA344115155.

ClinVar aggregate classification (germline): Uncertain significance (1 of 4 stars; one submission).

Allele frequency attached by ClinVar (database versions not stated): TOPMed below 0.00001; gnomAD 0.00001.
gnomAD v4.1: 6 of 1,613,724 alleles (0.00037%); highest among the groups gnomAD compares: African/African-American, 0.0027%; no homozygotes.

Submission:

GeneDx
Classification: Uncertain significance. Last evaluated: 2025-08-25. Review status: criteria provided, single submitter. Criteria: GeneDx Variant Classification Process June 2021. Collection method: clinical testing. Allele origin: germline.
Comment: Nonsense variant predicted to result in protein truncation or nonsense mediated decay in a gene or region of a gene for which loss of function is not a well-established mechanism of disease; Has not been previously published as pathogenic or benign to our knowledge